The following is an entry in ClinVar:

NM_198253.3(TERT):c.648_649delinsAA (p.Pro217Thr)

Gene: TERT (telomerase reverse transcriptase; minus strand). Cytogenetic location: 5p15.33.
Variant type: Indel.
Coding change: c.648_649delinsAA on transcript NM_198253.3 (MANE Select); coding-DNA positions 648 to 649, GC replaced by AA.
Protein change: p.Pro217Thr; replaces proline 217 with threonine.
Molecular consequence: missense variant. On other transcripts: non-coding transcript variant (2).
Genome position (GRCh38, 1-based): chr5:1,294,237-1,294,238, GC replaced by TT on the plus strand (GC replaced by AA on the coding strand, the reverse complement: TERT is on the minus strand). VCF-style: chr5-1294237-GC-TT. GRCh37 (hg19) VCF-style: chr5-1294352-GC-TT.
Other names: c.648_649delGCinsAA (NM_198253.2); c.648_649delinsAA, p.Pro217Thr (NM_001193376.3); short protein forms P217T.
Identifiers: ClinVar variation 539218 (VCV000539218.14), dbSNP rs1554043029, ClinGen allele CA658796498.
Genomic context (GRCh38, chr5:1,294,237, plus strand): 5'-TCTTGGGCAACGGCAGACTTCGGCTGGCACTGCCCCCGCGCCTCCTCGCACCCGGGGCTG[GC>TT]AGGCCCAGGGGGACCCCGGCCTCCCTGACGCTATGGTTCCAGGCCCGTTCGCATCCCAGA-3'
Protein context (NP_937983.2, residues 207-227): VREAGVPLGL[Pro217Thr]APGARRRGGS

ClinVar aggregate classification (germline): Uncertain significance. Review status: criteria provided, multiple submitters, no conflicts (2 of 4 stars). 3 submissions from 3 submitters: Uncertain significance (3). Last evaluated 2025-07-22.

Conditions:
Dyskeratosis congenita. Identifiers: Orphanet 1775, MedGen C0265965, MONDO:0015780.
Dyskeratosis congenita, autosomal dominant 2. Identifiers: MedGen C3151443, MONDO:0013521, OMIM 613989.
Idiopathic Pulmonary Fibrosis. Also called: Idiopathic fibrosing alveolitis, chronic form; idiopathic fibrosing alveolitis. Identifiers: Orphanet 2032, MedGen C1800706, MeSH D054990, MONDO:0800504.

Submissions (3):

Labcorp Genetics (formerly Invitae), Labcorp
Classification: Uncertain significance for Dyskeratosis congenita, autosomal dominant 2; Idiopathic Pulmonary Fibrosis. Last evaluated: 2025-07-22. Review status: criteria provided, single submitter. Criteria: Invitae Variant Classification Sherloc (09022015). Collection method: clinical testing. Allele origin: germline.
Comment: This sequence change replaces proline, which is neutral and non-polar, with threonine, which is neutral and polar, at codon 217 of the TERT protein (p.Pro217Thr). Information on the frequency of this variant in the gnomAD database is not available, as this variant may be reported differently in the database. This variant has not been reported in the literature in individuals affected with TERT-related conditions. ClinVar contains an entry for this variant (Variation ID: 539218). An algorithm developed to predict the effect of missense changes on protein structure and function outputs the following: PolyPhen-2: "Not Available". The threonine amino acid residue is found in multiple mammalian species, which suggests that this missense change does not adversely affect protein function. In summary, the available evidence is currently insufficient to determine the role of this variant in disease. Therefore, it has been classified as a Variant of Uncertain Significance.

Ambry Genetics
Classification: Uncertain significance for Dyskeratosis congenita. Last evaluated: 2025-06-27. Review status: criteria provided, single submitter. Criteria: Ambry Variant Classification Scheme 2023. Collection method: clinical testing. Allele origin: germline.
Comment: The c.648_649delGCinsAA variant (also known as p.P217T), located in coding exon 2 of the TERT gene, results from an in-frame deletion of GC and insertion of AA at nucleotide positions 648 to 649. This results in the substitution of the proline residue for a threonine residue at codon 217, an amino acid with highly similar properties. This amino acid position is not well conserved in available vertebrate species. In addition, this alteration is predicted to be tolerated by in silico analysis. Based on the available evidence, the clinical significance of this variant remains unclear.

Genetic Services Laboratory, University of Chicago
Classification: Uncertain significance. Last evaluated: 2021-03-15. Review status: criteria provided, single submitter. Criteria: ACMG Guidelines, 2015. Collection method: clinical testing. Allele origin: germline. Affected: no.
Comment: DNA sequence analysis of the TERT gene demonstrated a sequence change, c.648_649delinsAA, in exon 2 that results in an amino acid change, p.Pro217Thr. This sequence change is absent from known population databses (gnomAD). The p.Pro217Thr change affects a poorly conserved amino acid residue located in a domain of the TERT protein that is not known to be functional. The p.Pro217Thr substitution appears to be benign using several in-silico pathogenicity prediction tools (SIFT, PolyPhen2, Align GVGD, REVEL). This sequence change does not appear to have been previously described in patients with TERT-related disorders. Due to the lack of sufficient evidences, the clinical significance of the p.Pro217Thr change remains unknown at this time.